The following is an entry in ClinVar:

ClinVar aggregate classification (germline): Uncertain significance (1 of 4 stars; one submission).

Conditions:
Gorlin syndrome. Also called: Nevoid Basal Cell Carcinoma Syndrome; Basal cell nevus syndrome. Identifiers: Orphanet 377, MedGen C0004779, MONDO:0007187.

Submission:

Labcorp Genetics (formerly Invitae), Labcorp
Classification: Uncertain significance for Gorlin syndrome. Last evaluated: 2022-07-08. Review status: criteria provided, single submitter. Criteria: Invitae Variant Classification Sherloc (09022015). Collection method: clinical testing. Allele origin: germline.
Comment: In summary, the available evidence is currently insufficient to determine the role of this variant in disease. Therefore, it has been classified as a Variant of Uncertain Significance. Advanced modeling of protein sequence and biophysical properties (such as structural, functional, and spatial information, amino acid conservation, physicochemical variation, residue mobility, and thermodynamic stability) performed at Invitae indicates that this missense variant is not expected to disrupt PTCH1 protein function. This variant has not been reported in the literature in individuals affected with PTCH1-related conditions. This variant is not present in population databases (gnomAD no frequency). This sequence change replaces proline, which is neutral and non-polar, with arginine, which is basic and polar, at codon 813 of the PTCH1 protein (p.Pro813Arg).

NM_000264.5(PTCH1):c.2438C>G (p.Pro813Arg)

Genes: PTCH1 (patched 1; minus strand), LOC100507346 (uncharacterized LOC100507346; plus strand). Cytogenetic location: 9q22.32.
Variant type: single nucleotide variant.
Coding change: c.2438C>G on transcript NM_000264.5 (MANE Select); coding-DNA position 2438, C replaced by G.
Protein change: p.Pro813Arg; replaces proline 813 with arginine.
Molecular consequence: missense variant. On other transcripts: non-coding transcript variant (1).
Genome position (GRCh38, 1-based): chr9:95,467,238, G>C on the plus strand (C>G on the coding strand, the complement: PTCH1 is on the minus strand). VCF-style: chr9-95467238-G-C. GRCh37 (hg19) VCF-style: chr9-98229520-G-C.
Other names: c.2240C>G, p.Pro747Arg (NM_001083602.3); c.2435C>G, p.Pro812Arg (NM_001083603.3); c.1985C>G, p.Pro662Arg (NM_001083604.3, NM_001083605.3, NM_001083606.3 and 1 more transcripts); c.2282C>G, p.Pro761Arg (NM_001354918.2); short protein forms P812R, P747R, P761R, P813R, P662R.
Identifiers: ClinVar variation 2013891 (VCV002013891.4), dbSNP rs2117958555, ClinGen allele CA374114177.
Genomic context (GRCh38, chr9:95,467,238, plus strand): 5'-ATGACATACTTCACGTTACTGAAACTCCTGTGTAGGTCGTAAAGTAAGTGCTGGATATTC[G>C]GGTAGTCTGCTTTCTGGGTGACTATATACATGTTGTAGAAAGAAAAGTATTTGAATTGTG-3'
Protein context (NP_000255.2, residues 803-823): MYIVTQKADY[Pro813Arg]NIQHLLYDLH